The following is an entry in ClinVar:

NM_000130.5(F5):c.5216A>G (p.Asp1739Gly)

Gene: F5 (coagulation factor V; minus strand). Cytogenetic location: 1q24.2.
Variant type: single nucleotide variant.
Coding change: c.5216A>G on transcript NM_000130.5 (MANE Select); coding-DNA position 5216, A replaced by G.
Protein change: p.Asp1739Gly; replaces aspartic acid 1739 with glycine.
Molecular consequence: missense variant.
Genome position (GRCh38, 1-based): chr1:169,529,811, T>C on the plus strand (A>G on the coding strand, the complement: F5 is on the minus strand). VCF-style: chr1-169529811-T-C. GRCh37 (hg19) VCF-style: chr1-169499049-T-C.
Other names: short protein forms D1739G.
Identifiers: ClinVar variation 2257669 (VCV002257669.4), dbSNP rs757244704, ClinGen allele CA1233541.

ClinVar aggregate classification (germline): Uncertain significance. Review status: criteria provided, multiple submitters, no conflicts (2 of 4 stars). 2 submissions from 2 submitters: Uncertain significance (2). Last evaluated 2026-09-12.

Conditions:
Inborn genetic diseases. Identifiers: MedGen C0950123, MeSH D030342.

Allele frequency attached by ClinVar (database versions not stated): gnomAD exomes below 0.00001; TOPMed below 0.00001; ExAC 0.00001; gnomAD 0.00001.
gnomAD v4.1: 3 of 1,613,148 alleles (0.00019%); highest among the groups gnomAD compares: Non-Finnish European, 0.00025%; no homozygotes.

Submissions (2):

GeneDx
Classification: Uncertain significance. Last evaluated: 2026-09-12. Review status: criteria provided, single submitter. Criteria: GeneDx Variant Classification Process June 2021. Collection method: clinical testing. Allele origin: germline.
Comment: Not observed at significant frequency in large population cohorts (gnomAD); In silico analysis supports that this missense variant has a deleterious effect on protein structure/function; Has not been previously published as pathogenic or benign to our knowledge

Ambry Genetics
Classification: Uncertain significance for Inborn genetic diseases. Last evaluated: 2021-10-27. Review status: criteria provided, single submitter. Criteria: Ambry Variant Classification Scheme 2023. Collection method: clinical testing. Allele origin: germline.